The following is an entry in ClinVar:

ClinVar aggregate classification (germline): Uncertain significance (1 of 4 stars; one submission).

Submission:

Labcorp Genetics (formerly Invitae), Labcorp
Classification: Uncertain significance. Last evaluated: 2022-02-09. Review status: criteria provided, single submitter. Criteria: Invitae Variant Classification Sherloc (09022015). Collection method: clinical testing. Allele origin: germline.
Comment: Algorithms developed to predict the effect of missense changes on protein structure and function are either unavailable or do not agree on the potential impact of this missense change (SIFT: "Tolerated"; PolyPhen-2: "Possibly Damaging"; Align-GVGD: "Class C0"). This sequence change replaces alanine, which is neutral and non-polar, with aspartic acid, which is acidic and polar, at codon 206 of the GNB3 protein (p.Ala206Asp). This variant is not present in population databases (gnomAD no frequency). This variant has not been reported in the literature in individuals affected with GNB3-related conditions. In summary, the available evidence is currently insufficient to determine the role of this variant in disease. Therefore, it has been classified as a Variant of Uncertain Significance.

NM_002075.4(GNB3):c.617C>A (p.Ala206Asp)

Gene: GNB3 (G protein subunit beta 3; plus strand). Cytogenetic location: 12p13.31.
Variant type: single nucleotide variant.
Coding change: c.617C>A on transcript NM_002075.4 (MANE Select); coding-DNA position 617, C replaced by A.
Protein change: p.Ala206Asp; replaces alanine 206 with aspartic acid.
Molecular consequence: missense variant.
Genome position (GRCh38, 1-based): chr12:6,843,896, C>A. VCF-style: chr12-6843896-C-A. GRCh37 (hg19) VCF-style: chr12-6953060-C-A.
Other names: c.614C>A, p.Ala205Asp (NM_001297571.2); short protein forms A205D, A206D.
Identifiers: ClinVar variation 2095449 (VCV002095449.4), dbSNP rs2542352101, ClinGen allele CA383673500.
Genomic context (GRCh38, chr12:6,843,896, plus strand): 5'-ACTGCATGAGCCTGGCTGTGTCTCCTGACTTCAATCTCTTCATTTCGGGGGCCTGTGATG[C>A]CAGTGCCAAGCTCTGGGATGTGCGAGAGGGGACCTGCCGTCAGACTTTCACTGGCCACGA-3'
Protein context (NP_002066.1, residues 196-216): FNLFISGACD[Ala206Asp]SAKLWDVREG